The following is an entry in ClinVar:

NM_001844.5(COL2A1):c.3166-1G>C

Gene: COL2A1 (collagen type II alpha 1 chain; minus strand). Cytogenetic location: 12q13.11.
Variant type: single nucleotide variant.
Coding change: c.3166-1G>C on transcript NM_001844.5 (MANE Select); the canonical splice acceptor site of the intron before coding-DNA position 3166, G replaced by C.
Molecular consequence: splice acceptor variant.
Genome position (GRCh38, 1-based): chr12:47,977,428, C>G on the plus strand (G>C on the coding strand, the complement: COL2A1 is on the minus strand). VCF-style: chr12-47977428-C-G. GRCh37 (hg19) VCF-style: chr12-48371211-C-G.
Other names: c.2959-1G>C (NM_033150.3).
Identifiers: ClinVar variation 4795243 (VCV004795243.1).
Genomic context (GRCh38, chr12:47,977,428, plus strand): 5'-GGAGCCAGGGGGCCCAGGGGCTCCAGGAGCTCCCACAGCACCAGTCTCACCACGATCACC[C>G]TGTCAGGAGAGAGGTCTCAGGCTCAGAGAAGAATGTTCCAGAAGAGACAGGAACAGAAGG-3'

ClinVar aggregate classification (germline): Pathogenic (1 of 4 stars; one submission).

Conditions:
Stickler syndrome type 1 (STL1). Also called: STICKLER SYNDROME, MEMBRANOUS VITREOUS TYPE; STICKLER SYNDROME, VITREOUS TYPE 1; COL2A1-Related Stickler Syndrome; ARTHROOPHTHALMOPATHY, HEREDITARY PROGRESSIVE. Identifiers: Orphanet 828, Orphanet 90653, MedGen C2020284, MONDO:0007160, OMIM 108300.

Submission:

Department of Clinical Genetics, Aarhus University Hospital
Classification: Pathogenic for Stickler syndrome type 1. Last evaluated: 2026-01-06. Review status: criteria provided, single submitter. Criteria: ACMG Guidelines, 2015. Collection method: clinical testing. Allele origin: unknown. Inheritance: Autosomal dominant inheritance. Affected: yes.
Comment: The variant is predicted to affect splicing of intron 45 of 53 . The variant is not seen in the gnomAD 4.1 database. To our knowledge the variant has not been reported in the literature. Another variant at the same nucleotide position (NM_001844.5:c.3166-1G>A) has been reported to ClinVar (VCV000547260.1). According to the ACMG guidelines, this variant is interpreted as pathogenic (PVS1, PM2_supporting, PS1).